The following is an entry in ClinVar:

ClinVar aggregate classification (germline): Uncertain significance (1 of 4 stars; one submission).

Submission:

Labcorp Genetics (formerly Invitae), Labcorp
Classification: Uncertain significance. Last evaluated: 2026-01-11. Review status: criteria provided, single submitter. Criteria: Invitae Variant Classification Sherloc (09022015). Collection method: clinical testing. Allele origin: germline.
Comment: This sequence change replaces isoleucine, which is neutral and non-polar, with methionine, which is neutral and non-polar, at codon 448 of the SAMD9 protein (p.Ile448Met). This variant is not present in population databases (gnomAD no frequency). This variant has not been reported in the literature in individuals affected with SAMD9-related conditions. ClinVar contains an entry for this variant (Variation ID: 2792449). Invitae Evidence Modeling of protein sequence and biophysical properties (such as structural, functional, and spatial information, amino acid conservation, physicochemical variation, residue mobility, and thermodynamic stability) indicates that this missense variant is not expected to disrupt SAMD9 protein function with a negative predictive value of 95%. In summary, the available evidence is currently insufficient to determine the role of this variant in disease. Therefore, it has been classified as a Variant of Uncertain Significance.

NM_017654.4(SAMD9):c.1344C>G (p.Ile448Met)

Gene: SAMD9 (sterile alpha motif domain containing 9; minus strand). Cytogenetic location: 7q21.2.
Variant type: single nucleotide variant.
Coding change: c.1344C>G on transcript NM_017654.4 (MANE Select); coding-DNA position 1344, C replaced by G.
Protein change: p.Ile448Met; replaces isoleucine 448 with methionine.
Molecular consequence: missense variant.
Genome position (GRCh38, 1-based): chr7:93,104,754, G>C on the plus strand (C>G on the coding strand, the complement: SAMD9 is on the minus strand). VCF-style: chr7-93104754-G-C. GRCh37 (hg19) VCF-style: chr7-92734067-G-C.
Other names: c.1344C>G, p.Ile448Met (NM_001193307.2); short protein forms I448M.
Identifiers: ClinVar variation 2792449 (VCV002792449.3), dbSNP rs756486791, ClinGen allele CA368197417.